The following is an entry in ClinVar:

ClinVar aggregate classification (germline): Uncertain significance. Review status: criteria provided, multiple submitters, no conflicts (2 of 4 stars). 2 submissions from 2 submitters: Uncertain significance (2). Last evaluated 2023-06-15.

Conditions:
Inborn genetic diseases. Identifiers: MedGen C0950123, MeSH D030342.

Submissions (2):

Labcorp Genetics (formerly Invitae), Labcorp
Classification: Uncertain significance. Last evaluated: 2023-06-15. Review status: criteria provided, single submitter. Criteria: Invitae Variant Classification Sherloc (09022015). Collection method: clinical testing. Allele origin: germline.
Comment: In summary, the available evidence is currently insufficient to determine the role of this variant in disease. Therefore, it has been classified as a Variant of Uncertain Significance. Advanced modeling of protein sequence and biophysical properties (such as structural, functional, and spatial information, amino acid conservation, physicochemical variation, residue mobility, and thermodynamic stability) performed at Invitae indicates that this missense variant is not expected to disrupt HEPACAM protein function. ClinVar contains an entry for this variant (Variation ID: 2310627). This variant has not been reported in the literature in individuals affected with HEPACAM-related conditions. This variant is not present in population databases (gnomAD no frequency). This sequence change replaces alanine, which is neutral and non-polar, with valine, which is neutral and non-polar, at codon 326 of the HEPACAM protein (p.Ala326Val).

Ambry Genetics
Classification: Uncertain significance for Inborn genetic diseases. Last evaluated: 2022-09-06. Review status: criteria provided, single submitter. Criteria: Ambry Variant Classification Scheme 2023. Collection method: clinical testing. Allele origin: germline.

NM_152722.5(HEPACAM):c.977C>T (p.Ala326Val)

Gene: HEPACAM (hepatic and glial cell adhesion molecule; minus strand). Cytogenetic location: 11q24.2.
Variant type: single nucleotide variant.
Coding change: c.977C>T on transcript NM_152722.5 (MANE Select); coding-DNA position 977, C replaced by T.
Protein change: p.Ala326Val; replaces alanine 326 with valine.
Molecular consequence: missense variant.
Genome position (GRCh38, 1-based): chr11:124,921,412, G>A on the plus strand (C>T on the coding strand, the complement: HEPACAM is on the minus strand). VCF-style: chr11-124921412-G-A. GRCh37 (hg19) VCF-style: chr11-124791308-G-A.
Other names: c.1133C>T, p.Ala378Val (NM_001411043.1); short protein forms A378V, A326V.
Identifiers: ClinVar variation 2310627 (VCV002310627.5), dbSNP rs1057524812, ClinGen allele CA383138016.